The following is an entry in ClinVar:

NM_001875.5(CPS1):c.1790C>A (p.Ser597Ter)

Gene: CPS1 (carbamoyl-phosphate synthase 1; plus strand). Cytogenetic location: 2q34.
Variant type: single nucleotide variant.
Coding change: c.1790C>A on transcript NM_001875.5 (MANE Select); coding-DNA position 1790, C replaced by A.
Protein change: p.Ser597Ter; replaces serine 597 with a stop codon.
Molecular consequence: nonsense. On other transcripts: non-coding transcript variant (2).
Genome position (GRCh38, 1-based): chr2:210,602,284, C>A. VCF-style: chr2-210602284-C-A. GRCh37 (hg19) VCF-style: chr2-211467008-C-A.
Other names: c.1790C>A, p.Ser597Ter (NM_001122633.3, NM_001369257.1); c.1823C>A, p.Ser608Ter (NM_001369256.1); short protein forms S597*, S608*.
Identifiers: ClinVar variation 984185 (VCV000984185.3), dbSNP rs1698754274, ClinGen allele CA350437501.
Genomic context (GRCh38, chr2:210,602,284, plus strand): 5'-CAGACACCATTGGCTACCCAGTGATGATCCGTTCCGCCTATGCACTGGGTGGGTTAGGCT[C>A]AGGCATCTGTCCCAACAGAGAGACTTTGATGGACCTCAGCACAAAGGTATGTATTTTTGT-3'

ClinVar aggregate classification (germline): Likely pathogenic (1 of 4 stars; one submission).

Conditions:
Congenital hyperammonemia, type I. Also called: Carbamoyl phosphate synthetase I deficiency disease; Carbamoyl phosphate synthetase 1 deficiency; Hyperammonemia due to carbamoyl phosphate synthetase 1 deficiency; CPS 1 deficiency; Carbamyl phosphate synthetase (CPS) deficiency; Carbamoyl-phosphate synthase I deficiency. Identifiers: Orphanet 147, MedGen C4082171, MONDO:0009376, OMIM 237300.

Submission:

Myriad Genetics, Inc.
Classification: Likely pathogenic for Congenital hyperammonemia, type I. Last evaluated: 2019-12-14. Review status: criteria provided, single submitter. Criteria: Myriad Women's Health Autosomal Recessive and X-Linked Classification Criteria (2019). Collection method: clinical testing. Allele origin: unknown.
Comment: NM_001875.4(CPS1):c.1790C>A(S597*) is expected to be pathogenic in the context of carbamoylphosphate synthetase I deficiency. This variant is predicted to lead to an abnormal or absent protein product due to the creation of a premature termination codon in CPS1, a gene where loss-of-function variants are known to be pathogenic. Please note: this variant was assessed in the context of healthy population screening.